The following is an entry in ClinVar:

ClinVar aggregate classification (germline): Likely benign. Review status: criteria provided, multiple submitters, no conflicts (2 of 4 stars). 4 submissions from 4 submitters: Likely benign (4). Last evaluated 2026-01-13.

Conditions:
Juvenile polyposis syndrome (JPS). Identifiers: Orphanet 2929, MedGen C0345893, MONDO:0017380, OMIM 174900.
Hereditary cancer-predisposing syndrome. Also called: Tumor predisposition; Hereditary neoplastic syndrome; Neoplastic Syndromes, Hereditary; Hereditary Cancer Syndrome. Identifiers: Orphanet 140162, MedGen C0027672, MeSH D009386, MONDO:0015356.

Allele frequency attached by ClinVar (database versions not stated): gnomAD 0.00001; gnomAD exomes 0.00001 and 0.00002; TOPMed 0.00002; ExAC 0.00003; 1000 Genomes Project 0.00020; 1000 Genomes Project 30x 0.00031.
gnomAD v4.1: 13 of 1,613,746 alleles (0.00081%); highest among the groups gnomAD compares: East Asian, 0.025%; no homozygotes.

Submissions (4):

Labcorp Genetics (formerly Invitae), Labcorp
Classification: Likely benign for Juvenile polyposis syndrome. Last evaluated: 2026-01-13. Review status: criteria provided, single submitter. Criteria: Invitae Variant Classification Sherloc (09022015). Collection method: clinical testing. Allele origin: germline.

Myriad Genetics, Inc.
Classification: Likely benign for Juvenile polyposis syndrome. Last evaluated: 2024-07-31. Review status: criteria provided, single submitter. Criteria: Myriad Autosomal Dominant, Autosomal Recessive and X-Linked Classification Criteria (2023). Collection method: clinical testing. Allele origin: unknown.
Comment: This variant is considered likely benign. This variant is intronic and is not expected to impact mRNA splicing.

Quest Diagnostics Nichols Institute San Juan Capistrano
Classification: Likely benign. Last evaluated: 2023-06-29. Review status: criteria provided, single submitter. Criteria: Quest Diagnostics criteria. Collection method: clinical testing. Allele origin: unknown.

Color Diagnostics, LLC DBA Color Health
Classification: Likely benign for Hereditary cancer-predisposing syndrome. Last evaluated: 2016-08-01. Review status: criteria provided, single submitter. Criteria: ACMG Guidelines, 2015. Collection method: clinical testing. Allele origin: germline.

NM_004329.3(BMPR1A):c.230+7A>G

Gene: BMPR1A (bone morphogenetic protein receptor type 1A; plus strand). Cytogenetic location: 10q23.2.
Variant type: single nucleotide variant.
Coding change: c.230+7A>G on transcript NM_004329.3 (MANE Select); 7 bases into the intron after coding-DNA position 230, A replaced by G.
Molecular consequence: intron variant.
Genome position (GRCh38, 1-based): chr10:86,890,231, A>G. VCF-style: chr10-86890231-A-G. GRCh37 (hg19) VCF-style: chr10-88649988-A-G.
Identifiers: ClinVar variation 219851 (VCV000219851.16), dbSNP rs186530845, ClinGen allele CA349114.